The following is an entry in ClinVar:

NM_000057.4(BLM):c.746del (p.Asn249fs)

Gene: BLM (BLM RecQ like helicase; plus strand). Cytogenetic location: 15q26.1.
Variant type: Deletion.
Coding change: c.746del on transcript NM_000057.4 (MANE Select); coding-DNA position 746, one base deleted (A; older notation c.746delA).
Protein change: p.Asn249fs; shifts the reading frame from asparagine 249.
Molecular consequence: frameshift variant. On other transcripts: 5 prime UTR variant (1).
Genome position (GRCh38, 1-based): chr15:90,750,014, A deleted; the last of 3 consecutive A bases (chr15:90,750,012-90,750,014); deleting any one gives the same sequence. VCF-style (leftmost placement, unchanged base first): chr15-90750011-TA-T. GRCh37 (hg19) VCF-style: chr15-91293241-TA-T.
Other names: c.746del, p.Asn249fs (NM_001287246.2, NM_001287247.2); c.-546del (NM_001287248.2); short protein forms N249fs.
Identifiers: ClinVar variation 2680191 (VCV002680191.2), dbSNP rs1043718482, ClinGen allele CA274728457.

ClinVar aggregate classification (germline): Pathogenic/Likely pathogenic. Review status: criteria provided, multiple submitters, no conflicts (2 of 4 stars). 2 submissions from 2 submitters: Pathogenic (1); Likely pathogenic (1). Last evaluated 2026-01-30.

Conditions:
Bloom syndrome (BLM). Also called: Bloom-Torre-Machacek syndrome. Identifiers: Orphanet 125, MedGen C0005859, MONDO:0008876, OMIM 210900.

Submissions (2):

Myriad Genetics, Inc.
Classification: Pathogenic for Bloom syndrome. Last evaluated: 2026-01-30. Review status: criteria provided, single submitter. Criteria: Myriad Autosomal Dominant, Autosomal Recessive and X-Linked Classification Criteria (2023). Collection method: clinical testing. Allele origin: unknown.
Comment: NM_000057.3(BLM):c.746delA(N249Mfs*10) is a frameshift variant classified as pathogenic in the context of Bloom syndrome. N249Mfs*10 has not been observed in cases with relevant disease. Relevant functional assessments of this variant are not available in the literature. N249Mfs*10 has not been observed in referenced population frequency databases. In summary, NM_000057.3(BLM):c.746delA(N249Mfs*10) is a frameshift variant in a gene where loss of function is a known mechanism of disease and is predicted to disrupt protein function. Please note: this variant was assessed in the context of healthy population screening.

Baylor Genetics
Classification: Likely pathogenic for Bloom syndrome. Last evaluated: 2022-05-03. Review status: criteria provided, single submitter. Criteria: ACMG Guidelines, 2015. Collection method: clinical testing. Allele origin: unknown.